The following is an entry in ClinVar:

ClinVar aggregate classification (germline): Uncertain significance. Review status: criteria provided, multiple submitters, no conflicts (2 of 4 stars). 2 submissions from 2 submitters: Uncertain significance (2). Last evaluated 2025-12-24.

Allele frequency attached by ClinVar (database versions not stated): TOPMed 0.00002; gnomAD 0.00003; gnomAD exomes 0.00003; ExAC 0.00013.
gnomAD v4.1: 48 of 1,557,362 alleles (0.0031%); highest among the groups gnomAD compares: Middle Eastern, 0.034%; no homozygotes.

Submissions (2):

Labcorp Genetics (formerly Invitae), Labcorp
Classification: Uncertain significance. Last evaluated: 2025-12-24. Review status: criteria provided, single submitter. Criteria: Invitae Variant Classification Sherloc (09022015). Collection method: clinical testing. Allele origin: germline.
Comment: This sequence change replaces glycine, which is neutral and non-polar, with arginine, which is basic and polar, at codon 17 of the GNMT protein (p.Gly17Arg). The frequency data for this variant in the population databases is considered unreliable, as metrics indicate poor data quality at this position in the gnomAD database. This variant has not been reported in the literature in individuals affected with GNMT-related conditions. ClinVar contains an entry for this variant (Variation ID: 2072206). An algorithm developed to predict the effect of missense changes on protein structure and function (PolyPhen-2) suggests that this variant is likely to be disruptive. In summary, the available evidence is currently insufficient to determine the role of this variant in disease. Therefore, it has been classified as a Variant of Uncertain Significance.

Ambry Genetics
Classification: Uncertain significance. Last evaluated: 2021-06-18. Review status: criteria provided, single submitter. Criteria: Ambry Variant Classification Scheme 2023. Collection method: clinical testing. Allele origin: germline.

NM_018960.6(GNMT):c.49G>A (p.Gly17Arg)

Genes: CNPY3-GNMT (CNPY3-GNMT readthrough; plus strand), GNMT (glycine N-methyltransferase; plus strand). Cytogenetic location: 6p21.1.
Variant type: single nucleotide variant.
Coding change: c.49G>A on transcript NM_018960.6 (MANE Select); coding-DNA position 49, G replaced by A.
Protein change: p.Gly17Arg; replaces glycine 17 with arginine.
Molecular consequence: missense variant. On other transcripts: non-coding transcript variant (1), intron variant (3).
Genome position (GRCh38, 1-based): chr6:42,960,816, G>A. VCF-style: chr6-42960816-G-A. GRCh37 (hg19) VCF-style: chr6-42928554-G-A.
Other names: c.49G>A, p.Gly17Arg (NM_001318865.2); c.9-1396G>A (NM_001318856.2); c.152-1946G>A (NM_001318857.2, NM_001318858.2); short protein forms G17R.
Identifiers: ClinVar variation 2072206 (VCV002072206.5), dbSNP rs752961004, ClinGen allele CA3810576.